The following is an entry in ClinVar:

ClinVar aggregate classification (germline): Uncertain significance (1 of 4 stars; one submission).

Conditions:
Chédiak-Higashi syndrome (CHS). Also called: Chediak-Higashi Syndrome. Identifiers: Orphanet 167, MedGen C0007965, MONDO:0008963, OMIM 214500.

Allele frequency attached by ClinVar (database versions not stated): TOPMed below 0.00001; ExAC 0.00001; gnomAD exomes below 0.00001.
gnomAD v4.1: 1 of 1,612,180 alleles (0.000062%); highest among the groups gnomAD compares: South Asian, 0.0011%; no homozygotes.

Submission:

Labcorp Genetics (formerly Invitae), Labcorp
Classification: Uncertain significance for Chédiak-Higashi syndrome. Last evaluated: 2022-03-09. Review status: criteria provided, single submitter. Criteria: Invitae Variant Classification Sherloc (09022015). Collection method: clinical testing. Allele origin: germline.
Comment: This sequence change replaces threonine, which is neutral and polar, with asparagine, which is neutral and polar, at codon 107 of the LYST protein (p.Thr107Asn). This variant is present in population databases (rs750083768, gnomAD 0.003%). This variant has not been reported in the literature in individuals affected with LYST-related conditions. Algorithms developed to predict the effect of missense changes on protein structure and function (SIFT, PolyPhen-2, Align-GVGD) all suggest that this variant is likely to be tolerated. In summary, the available evidence is currently insufficient to determine the role of this variant in disease. Therefore, it has been classified as a Variant of Uncertain Significance.

NM_000081.4(LYST):c.320C>A (p.Thr107Asn)

Gene: LYST (lysosomal trafficking regulator; minus strand). Cytogenetic location: 1q42.3.
Variant type: single nucleotide variant.
Coding change: c.320C>A on transcript NM_000081.4 (MANE Select); coding-DNA position 320, C replaced by A.
Protein change: p.Thr107Asn; replaces threonine 107 with asparagine.
Molecular consequence: missense variant.
Genome position (GRCh38, 1-based): chr1:235,810,498, G>T on the plus strand (C>A on the coding strand, the complement: LYST is on the minus strand). VCF-style: chr1-235810498-G-T. GRCh37 (hg19) VCF-style: chr1-235973798-G-T.
Other names: c.320C>A, p.Thr107Asn (NM_001301365.1); short protein forms T107N.
Identifiers: ClinVar variation 1474936 (VCV001474936.6), dbSNP rs750083768, ClinGen allele CA1467648.
Genomic context (GRCh38, chr1:235,810,498, plus strand): 5'-CTTCCTTCTAAATGTAATTTTTCCTGAGTGGATCTTTGTGAACTTGAGTTCTTTTCTTTG[G>T]TCAGGATTATATCTGCTGAGAGCGGTAGGTTAAAATCTAATGGAATGAAAAAAGAAGGCT-3'
Protein context (NP_000072.2, residues 97-117): NLPLSADIIL[Thr107Asn]KEKNSSSQRS